The following is an entry in ClinVar:

NM_002880.4(RAF1):c.90_92del (p.Thr31del)

Gene: RAF1 (Raf-1 proto-oncogene, serine/threonine kinase; minus strand). Cytogenetic location: 3p25.2.
Variant type: Deletion.
Coding change: c.90_92del on transcript NM_002880.4 (MANE Select); coding-DNA positions 90 to 92, 3 bases deleted (TAC; older notation c.90_92delTAC).
Protein change: p.Thr31del; deletes threonine 31.
Molecular consequence: inframe deletion. On other transcripts: 5 prime UTR variant (4), non-coding transcript variant (3), inframe indel (1).
Genome position (GRCh38, 1-based): chr3:12,618,630-12,618,632, GTA deleted on the plus strand (TAC on the coding strand, the reverse complement: RAF1 is on the minus strand); deleting any 3 consecutive bases within chr3:12,618,630-12,618,633 gives the same sequence; the c. name uses the placement nearest the transcript's 3' end. VCF-style (leftmost placement, unchanged base first): chr3-12618629-TGTA-T. GRCh37 (hg19) VCF-style: chr3-12660128-TGTA-T.
Other names: c.90_92del, p.Thr31del (NM_001354689.3, NM_001354690.3, NM_001354693.3); c.-41_-39del (NM_001354691.3, NM_001354692.3, NM_001354694.3 and 1 more transcripts); c.90_92delTAC (NM_002880.3); short protein forms T31del.
Identifiers: ClinVar variation 3346548 (VCV003346548.1).

ClinVar aggregate classification (germline): Uncertain significance (0 of 4 stars; one submission).

Conditions:
RAF1-related disorder. Also called: RAF1-related disorders; RAF1-related condition.

Submission:

PreventionGenetics, part of Exact Sciences
Classification: Uncertain significance for RAF1-related condition. Last evaluated: 2024-06-15. Review status: no assertion criteria provided. Collection method: clinical testing. Allele origin: germline.
Comment: The RAF1 c.90_92delTAC variant is predicted to result in an in-frame deletion (p.Thr31del). To our knowledge, this variant has not been reported in the literature or in a large population database, indicating this variant is rare. At this time, the clinical significance of this variant is uncertain due to the absence of conclusive functional and genetic evidence.